The following is an entry in ClinVar:

ClinVar aggregate classification (germline): Conflicting classifications of pathogenicity. Review status: criteria provided, conflicting classifications (1 of 4 stars). 3 submissions from 3 submitters: Uncertain significance (2); Likely benign (1). Last evaluated 2025-10-01.

Conditions:
Inborn genetic diseases. Identifiers: MedGen C0950123, MeSH D030342.

gnomAD v4.1: 59 of 1,614,046 alleles (0.0037%); highest among the groups gnomAD compares: Non-Finnish European, 0.0045%; 1 homozygote.

Submissions (3):

CeGaT Center for Human Genetics Tuebingen
Classification: Likely benign. Last evaluated: 2025-10-01. Review status: criteria provided, single submitter. Criteria: CeGaT Center For Human Genetics Tuebingen Variant Classification Criteria Version 2. Collection method: clinical testing. Allele origin: germline. Affected: yes. Observed: 1 variant allele.
Comment: SKIC3: BP4, BS2

Ambry Genetics
Classification: Uncertain significance for Inborn genetic diseases. Last evaluated: 2025-02-12. Review status: criteria provided, single submitter. Criteria: Ambry Variant Classification Scheme 2023. Collection method: clinical testing. Allele origin: germline.

Labcorp Genetics (formerly Invitae), Labcorp
Classification: Uncertain significance. Last evaluated: 2022-07-21. Review status: criteria provided, single submitter. Criteria: Invitae Variant Classification Sherloc (09022015). Collection method: clinical testing. Allele origin: germline.
Comment: This sequence change replaces arginine, which is basic and polar, with leucine, which is neutral and non-polar, at codon 1174 of the TTC37 protein (p.Arg1174Leu). This variant is present in population databases (rs149287861, gnomAD 0.01%). This variant has not been reported in the literature in individuals affected with TTC37-related conditions. Algorithms developed to predict the effect of missense changes on protein structure and function (SIFT, PolyPhen-2, Align-GVGD) all suggest that this variant is likely to be tolerated. In summary, the available evidence is currently insufficient to determine the role of this variant in disease. Therefore, it has been classified as a Variant of Uncertain Significance.

NM_014639.4(SKIC3):c.3521G>T (p.Arg1174Leu)

Gene: SKIC3 (SKI3 subunit of superkiller complex; minus strand). Cytogenetic location: 5q15.
Variant type: single nucleotide variant.
Coding change: c.3521G>T on transcript NM_014639.4 (MANE Select); coding-DNA position 3521, G replaced by T.
Protein change: p.Arg1174Leu; replaces arginine 1174 with leucine.
Molecular consequence: missense variant.
Genome position (GRCh38, 1-based): chr5:95,498,412, C>A on the plus strand (G>T on the coding strand, the complement: SKIC3 is on the minus strand). VCF-style: chr5-95498412-C-A. GRCh37 (hg19) VCF-style: chr5-94834116-C-A.
Other names: short protein forms R1174L.
Identifiers: ClinVar variation 1896826 (VCV001896826.9), dbSNP rs149287861, ClinGen allele CA3346705.
Genomic context (GRCh38, chr5:95,498,412, plus strand): 5'-CACAAATACAGAATTTACCTGTGAACAGCTTTAGATATTTGTTTTTGCACAGCCACACTG[C>A]GGCCTTGGAGTGCATAAATCGCTGATGTAAGAAGGCACCTCTGATAATTACTGTCTTTGT-3'
Protein context (NP_055454.1, residues 1164-1184): LTSAIYALQG[Arg1174Leu]SVAVQKQISK